The following is an entry in ClinVar:

ClinVar aggregate classification (germline): Uncertain significance (1 of 4 stars; one submission).

Submission:

CeGaT Center for Human Genetics Tuebingen
Classification: Uncertain significance. Last evaluated: 2023-08-01. Review status: criteria provided, single submitter. Criteria: CeGaT Center For Human Genetics Tuebingen Variant Classification Criteria Version 2. Collection method: clinical testing. Allele origin: germline. Affected: yes. Observed: 2 variant alleles.
Comment: ATP2B1: PM2, PP2, PP3, BS2

NM_001366521.1(ATP2B1):c.2005G>A (p.Asp669Asn)

Gene: ATP2B1 (ATPase plasma membrane Ca2+ transporting 1; minus strand). Cytogenetic location: 12q21.33.
Variant type: single nucleotide variant.
Coding change: c.2005G>A on transcript NM_001366521.1 (MANE Select); coding-DNA position 2005, G replaced by A.
Protein change: p.Asp669Asn; replaces aspartic acid 669 with asparagine.
Molecular consequence: missense variant. On other transcripts: non-coding transcript variant (3).
Genome position (GRCh38, 1-based): chr12:89,616,864, C>T on the plus strand (G>A on the coding strand, the complement: ATP2B1 is on the minus strand). VCF-style: chr12-89616864-C-T. GRCh37 (hg19) VCF-style: chr12-90010641-C-T.
Other names: c.2005G>A, p.Asp669Asn (NM_001366528.1, NM_001366529.1, NM_001413046.1 and 12 more transcripts); c.1807G>A, p.Asp603Asn (NM_001366530.1, NM_001413053.1); c.1444G>A, p.Asp482Asn (NM_001366531.1, NM_001366532.1, NM_001413060.1 and 2 more transcripts); c.1966G>A, p.Asp656Asn (NM_001413048.1); c.1864G>A, p.Asp622Asn (NM_001413051.1, NM_001413052.1, NM_001413055.1); c.1762G>A, p.Asp588Asn (NM_001413054.1); c.1750G>A, p.Asp584Asn (NM_001413056.1); c.1552G>A, p.Asp518Asn (NM_001413057.1); short protein forms D482N, D518N, D584N, D588N, D603N, D622N, D656N, D669N.
Identifiers: ClinVar variation 2570843 (VCV002570843.27), dbSNP rs2540971878, ClinGen allele CA386124218.